The following is an entry in ClinVar:

NM_021738.3(SVIL):c.1986A>G (p.Ser662=)

Gene: SVIL (supervillin; minus strand). Cytogenetic location: 10p11.23.
Variant type: single nucleotide variant.
Coding change: c.1986A>G on transcript NM_021738.3 (MANE Select); coding-DNA position 1986, A replaced by G.
Protein change: p.Ser662=; no amino-acid change (serine 662 retained).
Molecular consequence: synonymous variant. On other transcripts: intron variant (2).
Genome position (GRCh38, 1-based): chr10:29,532,025, T>C on the plus strand (A>G on the coding strand, the complement: SVIL is on the minus strand). VCF-style: chr10-29532025-T-C. GRCh37 (hg19) VCF-style: chr10-29820954-T-C.
Other names: c.1056A>G, p.Ser352= (NM_001323599.2); c.828-737A>G (NM_001323600.1, NM_003174.3).
Identifiers: ClinVar variation 4872643 (VCV004872643.2).

ClinVar aggregate classification (germline): Likely benign (1 of 4 stars; one submission).

gnomAD v4.1: 70 of 1,614,096 alleles (0.0043%); highest among the groups gnomAD compares: Middle Eastern, 0.082%; no homozygotes.

Submission:

CeGaT Center for Human Genetics Tuebingen
Classification: Likely benign. Last evaluated: 2026-06-01. Review status: criteria provided, single submitter. Criteria: CeGaT Center For Human Genetics Tuebingen Variant Classification Criteria Version 2. Collection method: clinical testing. Allele origin: germline. Affected: yes. Observed: 1 variant allele.
Comment: SVIL: BP4, BP7